The following is an entry in ClinVar:

ClinVar aggregate classification (germline): Uncertain significance. Review status: criteria provided, multiple submitters, no conflicts (2 of 4 stars). 2 submissions from 2 submitters: Uncertain significance (2). Last evaluated 2023-03-24.

Conditions:
Inborn genetic diseases. Identifiers: MedGen C0950123, MeSH D030342.

gnomAD v4.1: 1 of 1,613,780 alleles (0.000062%); highest among the groups gnomAD compares: Non-Finnish European, 0.000085%; no homozygotes.

Submissions (2):

GeneDx
Classification: Uncertain significance. Last evaluated: 2023-03-24. Review status: criteria provided, single submitter. Criteria: GeneDx Variant Classification Process June 2021. Collection method: clinical testing. Allele origin: germline. Affected: yes.
Comment: Not observed at significant frequency in large population cohorts (gnomAD); In silico analysis supports that this missense variant has a deleterious effect on protein structure/function; Has not been previously published as pathogenic or benign to our knowledge

Ambry Genetics
Classification: Uncertain significance for Inborn genetic diseases. Last evaluated: 2022-07-20. Review status: criteria provided, single submitter. Criteria: Ambry Variant Classification Scheme 2023. Collection method: clinical testing. Allele origin: germline.

NM_004004.6(GJB2):c.308A>T (p.Lys103Met)

Gene: GJB2 (gap junction protein beta 2; minus strand). Cytogenetic location: 13q12.11.
Variant type: single nucleotide variant.
Coding change: c.308A>T on transcript NM_004004.6 (MANE Select); coding-DNA position 308, A replaced by T.
Protein change: p.Lys103Met; replaces lysine 103 with methionine.
Molecular consequence: missense variant.
Genome position (GRCh38, 1-based): chr13:20,189,274, T>A on the plus strand (A>T on the coding strand, the complement: GJB2 is on the minus strand). VCF-style: chr13-20189274-T-A. GRCh37 (hg19) VCF-style: chr13-20763413-T-A.
Other names: short protein forms K103M.
Identifiers: ClinVar variation 2302594 (VCV002302594.3), dbSNP rs915521910, ClinGen allele CA246460392.